The following is an entry in ClinVar:

ClinVar aggregate classification (germline): Uncertain significance. Review status: criteria provided, single submitter (1 of 4 stars). 2 submissions from 1 submitter: Uncertain significance (1). 1 of the submissions does not count toward it. Last evaluated 2022-04-15.

Conditions:
Arrhythmogenic right ventricular dysplasia 9 (ARVD9). Also called: Arrhythmogenic Right Ventricular Dysplasia/Cardiomyopathy 9; ARRHYTHMOGENIC RIGHT VENTRICULAR DYSPLASIA, FAMILIAL, 9. Identifiers: MedGen C1836906, MONDO:0012180, OMIM 609040.

Submissions (2):

Labcorp Genetics (formerly Invitae), Labcorp
Classification: Uncertain significance for Arrhythmogenic right ventricular dysplasia 9. Last evaluated: 2022-04-15. Review status: criteria provided, single submitter. Criteria: Invitae Variant Classification Sherloc (09022015). Collection method: clinical testing. Allele origin: germline.
Comment: A copy number gain of the genomic region encompassing the full coding sequence of the PKP2 gene has been identified. The boundaries of this event are unknown as they extend beyond the assayed region for this gene and therefore may encompass additional genes. As the precise location of this event is unknown, it may be in tandem or it may be located elsewhere in the genome. A similar copy number variant has been observed in individual(s) with left ventricular noncompaction (LVNC) (PMID: 27066507). In summary, the available evidence is currently insufficient to determine the role of this variant in disease. Therefore, it has been classified as a Variant of Uncertain Significance.

Labcorp Genetics (formerly Invitae), Labcorp
Classification: Uncertain significance. Last evaluated: 2022-10-18. Review status: flagged submission. Criteria: Invitae Variant Classification Sherloc (09022015). Collection method: clinical testing. Allele origin: germline. Not counted in ClinVar's aggregate classification.
Comment: A copy number gain of the genomic region encompassing the full coding sequence of the YARS2 gene has been identified. The boundaries of this event are unknown as they extend beyond the assayed region for this gene and therefore may encompass additional genes. As the precise location of this event is unknown, it may be in tandem or it may be located elsewhere in the genome. This variant has not been reported in the literature in individuals affected with YARS2-related conditions. In summary, the available evidence is currently insufficient to determine the role of this variant in disease. Therefore, it has been classified as a Variant of Uncertain Significance.
ClinVar note: Reason: This record appears to be redundant with a more recent record from the same submitter.
ClinVar note: Notes: SCV003790972 appears to be redundant with SCV003793811.

Literature cited by the submitters: PubMed 27066507.

NC_000012.11:g.(?_32729292)_(33049665_?)dup

Genes: DNM1L (dynamin 1 like; plus strand), FGD4 (FYVE, RhoGEF and PH domain containing 4; plus strand), PKP2 (plakophilin 2; minus strand), YARS2 (tyrosyl-tRNA synthetase 2; minus strand). Cytogenetic location: 12p11.21.
Variant type: Duplication.
Identifiers: ClinVar variation 2423556 (VCV002423556.3).